The following is an entry in ClinVar:

ClinVar aggregate classification (germline): Uncertain significance (0 of 4 stars; one submission).

Conditions:
Keratoconus (KC). Identifiers: MedGen C0022578, MeSH D007640, MONDO:0015486, HP:0000563.

Allele frequency attached by ClinVar (database versions not stated): gnomAD exomes 0.00001.
gnomAD v4.1: 5 of 1,613,742 alleles (0.00031%); highest among the groups gnomAD compares: Non-Finnish European, 0.00042%; no homozygotes.

Submission:

Refractive Surgery Department, Bright Eye Hospital
Classification: Uncertain significance for Keratoconus. Last evaluated: 2024-05-10. Review status: no assertion criteria provided. Collection method: clinical testing. Allele origin: inherited. Affected: yes. Observed: 2 variant alleles, 2 heterozygotes.
Comment: IGF-1 has been confirmed to play a regulatory effect that promotes wound repair and maintains homeostasis in the cornea. For example, IGF-1 activates hybrid receptor and is followed by Akt phosphorylation to promote corneal epithelial cell proliferation.21 In addition, lamin-5 and β1-integrin can be upregulated by IGF-1 in the corneal epithelial cell migration through the phosphoinositide 3-kinase/Akt signaling.22 Moreover, IGF-1 is involved in the corneal stroma health through the effect on corneal keratocytes, which are the major type of cells in the corneal stroma. During corneal wound repair, IGF-1 promotes corneal wound repair through the upregulation of N-cadherin and downregulation of E-cadherin to enhance the adhesion of corneal fibroblasts and the epithelial-mesenchymal transition; whereas the normal function of the corneal fibroblasts could be blocked by picropodophyllin, an IGF-1 receptor (IGF-1R) inhibitor of IGF-1.23In the corneal endothelium, the expression of IGF-1R is about 25 times higher than insulin,26 keeping the balance of water in the corneal stroma through regulation of the Na/K-ATPase pump. In this study, we identified a new variation in the IGF-1R gene, which has not been previously reported in a KC family. In family 2, a heterozygous nonsynonymous mutation in exon 6 of IGF-1R (g.99452113G>A, c.1447G>A, p.Gly483Arg) was detected, which is absent in normal controls and all family members without KC.

NM_000875.5(IGF1R):c.1447G>A (p.Gly483Arg)

Gene: IGF1R (insulin like growth factor 1 receptor; plus strand). Cytogenetic location: 15q26.3.
Variant type: single nucleotide variant.
Coding change: c.1447G>A on transcript NM_000875.5 (MANE Select); coding-DNA position 1447, G replaced by A.
Protein change: p.Gly483Arg; replaces glycine 483 with arginine.
Molecular consequence: missense variant.
Genome position (GRCh38, 1-based): chr15:98,908,884, G>A. VCF-style: chr15-98908884-G-A. GRCh37 (hg19) VCF-style: chr15-99452113-G-A.
Other names: c.1447G>A, p.Gly483Arg (NM_001291858.2); short protein forms G483R.
Identifiers: ClinVar variation 2445980 (VCV002445980.3), dbSNP rs2151670392, ClinGen allele CA393676476.